The following is an entry in ClinVar:

NM_000812.4(GABRB1):c.670G>A (p.Glu224Lys)

Gene: GABRB1 (gamma-aminobutyric acid type A receptor subunit beta1; plus strand). Cytogenetic location: 4p12.
Variant type: single nucleotide variant.
Coding change: c.670G>A on transcript NM_000812.4 (MANE Select); coding-DNA position 670, G replaced by A.
Protein change: p.Glu224Lys; replaces glutamic acid 224 with lysine.
Molecular consequence: missense variant.
Genome position (GRCh38, 1-based): chr4:47,403,443, G>A. VCF-style: chr4-47403443-G-A. GRCh37 (hg19) VCF-style: chr4-47405460-G-A.
Other names: short protein forms E224K.
Identifiers: ClinVar variation 4530703 (VCV004530703.1).

ClinVar aggregate classification (germline): Uncertain significance (1 of 4 stars; one submission).

Submission:

GeneDx
Classification: Uncertain significance. Last evaluated: 2025-05-21. Review status: criteria provided, single submitter. Criteria: GeneDx Variant Classification Process June 2021. Collection method: clinical testing. Allele origin: germline. Affected: yes.
Comment: Not observed at significant frequency in large population cohorts (gnomAD); In silico analysis suggests that this missense variant does not alter protein structure/function; In silico analysis suggests this variant may impact gene splicing. In the absence of RNA/functional studies, the actual effect of this sequence change is unknown.; Has not been previously published as pathogenic or benign to our knowledge